The following is an entry in ClinVar:

NM_004082.5(DCTN1):c.2719A>G (p.Met907Val)

Gene: DCTN1 (dynactin subunit 1; minus strand). Cytogenetic location: 2p13.1.
Variant type: single nucleotide variant.
Coding change: c.2719A>G on transcript NM_004082.5 (MANE Select); coding-DNA position 2719, A replaced by G.
Protein change: p.Met907Val; replaces methionine 907 with valine.
Molecular consequence: missense variant. On other transcripts: non-coding transcript variant (1).
Genome position (GRCh38, 1-based): chr2:74,366,285, T>C on the plus strand (A>G on the coding strand, the complement: DCTN1 is on the minus strand). VCF-style: chr2-74366285-T-C. GRCh37 (hg19) VCF-style: chr2-74593412-T-C.
Other names: c.2659A>G, p.Met887Val (NM_001135040.3); c.2317A>G, p.Met773Val (NM_001135041.3, NM_023019.4); c.2608A>G, p.Met870Val (NM_001190836.2); c.2698A>G, p.Met900Val (NM_001190837.2); c.2668A>G, p.Met890Val (NM_001378991.1); c.2650A>G, p.Met884Val (NM_001378992.1); short protein forms M887V, M890V, M907V, M884V, M773V, M870V, M900V.
Identifiers: ClinVar variation 1478950 (VCV001478950.6), dbSNP rs1459064982, ClinGen allele CA347343245.
Genomic context (GRCh38, chr2:74,366,285, plus strand): 5'-CAAGGAAATCTCCACCTACCTTGCTGGGGGGCCGCTCTGCATCATACTCCCCCTCCTGCA[T>C]GGCTGTGGCCAGCTTGTTCATGGTACTGATGAGGATGTTGCATGACTGGCGCAGACACTC-3'
Protein context (NP_004073.2, residues 897-917): ISTMNKLATA[Met907Val]QEGEYDAERP

ClinVar aggregate classification (germline): Uncertain significance (1 of 4 stars; one submission).

Conditions:
Amyotrophic lateral sclerosis type 1 (ALS1). Also called: AMYOTROPHIC LATERAL SCLEROSIS 1, FAMILIAL. Identifiers: Orphanet 803, MedGen C1862939, MONDO:0007103, OMIM 105400.
Perry syndrome. Also called: PARKINSONISM WITH ALVEOLAR HYPOVENTILATION AND MENTAL DEPRESSION. Identifiers: Orphanet 178509, MedGen C1868594, MONDO:0008201, OMIM 168605.
Neuronopathy, distal hereditary motor, type 7B. Also called: HMN VIIB; Distal Hereditary Motor Neuronopathy Type 7B (dHMN7B); LOWER MOTOR NEURON DISEASE, DYNACTIN TYPE; NEURONOPATHY, DISTAL HEREDITARY MOTOR, AUTOSOMAL DOMINANT 14; NEURONOPATHY, DISTAL HEREDITARY MOTOR, HARDING TYPE VIIB; NEUROPATHY, DISTAL HEREDITARY MOTOR, HARDING TYPE VIIB. Identifiers: Orphanet 139589, MedGen C1843315, MONDO:0011879, OMIM 607641.

Allele frequency attached by ClinVar (database versions not stated): gnomAD exomes below 0.00001.

Submission:

Labcorp Genetics (formerly Invitae), Labcorp
Classification: Uncertain significance for Amyotrophic lateral sclerosis type 1; Neuronopathy, distal hereditary motor, type 7B; Perry syndrome. Last evaluated: 2021-08-31. Review status: criteria provided, single submitter. Criteria: Invitae Variant Classification Sherloc (09022015). Collection method: clinical testing. Allele origin: germline.
Comment: In summary, the available evidence is currently insufficient to determine the role of this variant in disease. Therefore, it has been classified as a Variant of Uncertain Significance. Algorithms developed to predict the effect of missense changes on protein structure and function are either unavailable or do not agree on the potential impact of this missense change (SIFT: "Deleterious"; PolyPhen-2: "Probably Damaging"; Align-GVGD: "Class C15"). This variant has not been reported in the literature in individuals affected with DCTN1-related conditions. This variant is not present in population databases (ExAC no frequency). This sequence change replaces methionine with valine at codon 907 of the DCTN1 protein (p.Met907Val). The methionine residue is highly conserved and there is a small physicochemical difference between methionine and valine.